The following is an entry in ClinVar:

NM_004369.4(COL6A3):c.91+4A>G

Gene: COL6A3 (collagen type VI alpha 3 chain; minus strand). Cytogenetic location: 2q37.3.
Variant type: single nucleotide variant.
Coding change: c.91+4A>G on transcript NM_004369.4 (MANE Select); 4 bases into the intron after coding-DNA position 91, A replaced by G.
Molecular consequence: intron variant.
Genome position (GRCh38, 1-based): chr2:237,396,723, T>C on the plus strand (A>G on the coding strand, the complement: COL6A3 is on the minus strand). VCF-style: chr2-237396723-T-C. GRCh37 (hg19) VCF-style: chr2-238305366-T-C.
Other names: c.91+4A>G (NM_057166.5, NM_057167.4, NM_057164.5 and 1 more transcripts).
Identifiers: ClinVar variation 2078753 (VCV002078753.4), dbSNP rs770458381, ClinGen allele CA2189959.

ClinVar aggregate classification (germline): Uncertain significance (1 of 4 stars; one submission).

Conditions:
Bethlem myopathy 1A. Also called: MYOPATHY, BENIGN CONGENITAL, WITH CONTRACTURES; Bethlem Muscular Dystrophy; Bethlem myopathy 1. Identifiers: Orphanet 610, MedGen CN029274, MONDO:0024530, OMIM 158810.

Allele frequency attached by ClinVar (database versions not stated): ExAC 0.00001; gnomAD exomes 0.00001.
gnomAD v4.1: 3 of 1,614,154 alleles (0.00019%); highest among the groups gnomAD compares: Non-Finnish European, 0.00025%; no homozygotes.

Submission:

Labcorp Genetics (formerly Invitae), Labcorp
Classification: Uncertain significance for Bethlem myopathy 1A. Last evaluated: 2023-07-07. Review status: criteria provided, single submitter. Criteria: Invitae Variant Classification Sherloc (09022015). Collection method: clinical testing. Allele origin: germline.
Comment: Variants that disrupt the consensus splice site are a relatively common cause of aberrant splicing (PMID: 17576681, 9536098). Algorithms developed to predict the effect of sequence changes on RNA splicing suggest that this variant is not likely to affect RNA splicing. In summary, the available evidence is currently insufficient to determine the role of this variant in disease. Therefore, it has been classified as a Variant of Uncertain Significance. ClinVar contains an entry for this variant (Variation ID: 2078753). This variant has not been reported in the literature in individuals affected with COL6A3-related conditions. This variant is present in population databases (rs770458381, gnomAD 0.002%). This sequence change falls in intron 2 of the COL6A3 gene. It does not directly change the encoded amino acid sequence of the COL6A3 protein. It affects a nucleotide within the consensus splice site.

Literature cited by the submitters: PubMed 17576681; PubMed 9536098.